The following is an entry in ClinVar:

NM_004168.3(SDHA):c.-115-?_1432+?dup1547

Gene: SDHA (succinate dehydrogenase complex flavoprotein subunit A; plus strand).
Variant type: Duplication.
Coding change: c.-115-?_1432+?dup1547 on transcript NM_004168.3.
Identifiers: ClinVar variation 254059 (VCV000254059.1).

ClinVar aggregate classification (germline): Uncertain significance (1 of 4 stars; one submission).

Conditions:
Mitochondrial complex II deficiency, nuclear type 1. Also called: SUCCINATE CoQ REDUCTASE DEFICIENCY. Identifiers: Orphanet 3208, MedGen C5700310, MONDO:0100294, OMIM 252011.
Pheochromocytoma/paraganglioma syndrome 5. Also called: Paragangliomas 5; SDHA-Related Hereditary Paraganglioma-Pheochromocytoma Syndrome. Identifiers: Orphanet 29072, MedGen C3279992, MONDO:0013602, OMIM 614165.

Submission:

Labcorp Genetics (formerly Invitae), Labcorp
Classification: Uncertain significance for Pheochromocytoma/paraganglioma syndrome 5; Mitochondrial complex II deficiency, nuclear type 1. Last evaluated: 2016-01-22. Review status: criteria provided, single submitter. Criteria: Invitae Variant Classification Sherloc (09022015). Collection method: clinical testing. Allele origin: germline.
Comment: This variant is a gross duplication of the genomic region encompassing exons 1-10 of the SDHA gene. The 5' end of this event is unknown as it extends beyond the assayed region for this gene and therefore may encompass additional genes. The 3' boundary is likely confined to intron 10 of the SDHA gene. This gross duplication is not present in population databases and it has not been reported in the literature in patients with a SDHA-related disease. In summary, this is a novel duplication involving the first coding exon of the SDHA gene. However the genomic location and orientation of the duplicated sequence is unknown. For these reasons, this change has been classified as a Variant of Uncertain Significance.